The following is an entry in ClinVar:

NM_004311.4(ARL3):c.153C>A (p.Phe51Leu)

Gene: ARL3 (ARF like GTPase 3; minus strand). Cytogenetic location: 10q24.32.
Variant type: single nucleotide variant.
Coding change: c.153C>A on transcript NM_004311.4 (MANE Select); coding-DNA position 153, C replaced by A.
Protein change: p.Phe51Leu; replaces phenylalanine 51 with leucine.
Molecular consequence: missense variant.
Genome position (GRCh38, 1-based): chr10:102,699,484, G>T on the plus strand (C>A on the coding strand, the complement: ARL3 is on the minus strand). VCF-style: chr10-102699484-G-T. GRCh37 (hg19) VCF-style: chr10-104459241-G-T.
Other names: short protein forms F51L.
Identifiers: ClinVar variation 2077891 (VCV002077891.4), dbSNP rs2492969353, ClinGen allele CA377922898.

ClinVar aggregate classification (germline): Uncertain significance (1 of 4 stars; one submission).

Submission:

Labcorp Genetics (formerly Invitae), Labcorp
Classification: Uncertain significance. Last evaluated: 2022-09-27. Review status: criteria provided, single submitter. Criteria: Invitae Variant Classification Sherloc (09022015). Collection method: clinical testing. Allele origin: germline.
Comment: This sequence change replaces phenylalanine, which is neutral and non-polar, with leucine, which is neutral and non-polar, at codon 51 of the ARL3 protein (p.Phe51Leu). This variant is not present in population databases (gnomAD no frequency). This variant has not been reported in the literature in individuals affected with ARL3-related conditions. Algorithms developed to predict the effect of missense changes on protein structure and function are either unavailable or do not agree on the potential impact of this missense change (SIFT: "Deleterious"; PolyPhen-2: "Probably Damaging"; Align-GVGD: "Class C15"). In summary, the available evidence is currently insufficient to determine the role of this variant in disease. Therefore, it has been classified as a Variant of Uncertain Significance.